The following is an entry in ClinVar:

ClinVar aggregate classification (germline): Uncertain significance. Review status: criteria provided, multiple submitters, no conflicts (2 of 4 stars). 2 submissions from 2 submitters: Uncertain significance (2). Last evaluated 2025-08-06.

Conditions:
Brachyolmia-amelogenesis imperfecta syndrome. Also called: Tooth agenesis, selective, 6; Dental anomalies and short stature; PLATYSPONDYLY WITH AMELOGENESIS IMPERFECTA. Identifiers: Orphanet 2899, MedGen C1832594, MONDO:0011018, OMIM 601216. Disease mechanism: loss of function.
Inborn genetic diseases. Identifiers: MedGen C0950123, MeSH D030342.

Allele frequency attached by ClinVar (database versions not stated): TOPMed below 0.00001.

Submissions (2):

Ambry Genetics
Classification: Uncertain significance for Inborn genetic diseases. Last evaluated: 2025-08-06. Review status: criteria provided, single submitter. Criteria: Ambry Variant Classification Scheme 2023. Collection method: clinical testing. Allele origin: germline.

Labcorp Genetics (formerly Invitae), Labcorp
Classification: Uncertain significance for Brachyolmia-amelogenesis imperfecta syndrome. Last evaluated: 2024-10-03. Review status: criteria provided, single submitter. Criteria: Invitae Variant Classification Sherloc (09022015). Collection method: clinical testing. Allele origin: germline.
Comment: This sequence change replaces alanine, which is neutral and non-polar, with threonine, which is neutral and polar, at codon 180 of the LTBP3 protein (p.Ala180Thr). This variant is not present in population databases (gnomAD no frequency). This variant has not been reported in the literature in individuals affected with LTBP3-related conditions. ClinVar contains an entry for this variant (Variation ID: 2317812). An algorithm developed to predict the effect of missense changes on protein structure and function (PolyPhen-2) suggests that this variant is likely to be disruptive. In summary, the available evidence is currently insufficient to determine the role of this variant in disease. Therefore, it has been classified as a Variant of Uncertain Significance.

NM_001130144.3(LTBP3):c.538G>A (p.Ala180Thr)

Gene: LTBP3 (latent transforming growth factor beta binding protein 3; minus strand). Cytogenetic location: 11q13.1.
Variant type: single nucleotide variant.
Coding change: c.538G>A on transcript NM_001130144.3 (MANE Select); coding-DNA position 538, G replaced by A.
Protein change: p.Ala180Thr; replaces alanine 180 with threonine.
Molecular consequence: missense variant.
Genome position (GRCh38, 1-based): chr11:65,554,174, C>T on the plus strand (G>A on the coding strand, the complement: LTBP3 is on the minus strand). VCF-style: chr11-65554174-C-T. GRCh37 (hg19) VCF-style: chr11-65321645-C-T.
Other names: c.187G>A, p.Ala63Thr (NM_001164266.1); c.538G>A, p.Ala180Thr (NM_021070.4); short protein forms A63T, A180T.
Identifiers: ClinVar variation 2317812 (VCV002317812.6), dbSNP rs1856722508, ClinGen allele CA381276429.